The following is an entry in ClinVar:

ClinVar aggregate classification (germline): Uncertain significance (1 of 4 stars; one submission).

gnomAD v4.1: 2 of 1,613,232 alleles (0.00012%); highest among the groups gnomAD compares: African/African-American, 0.0013%; no homozygotes.

Submission:

Labcorp Genetics (formerly Invitae), Labcorp
Classification: Uncertain significance. Last evaluated: 2025-09-24. Review status: criteria provided, single submitter. Criteria: Invitae Variant Classification Sherloc (09022015). Collection method: clinical testing. Allele origin: germline.
Comment: This sequence change replaces proline, which is neutral and non-polar, with glutamine, which is neutral and polar, at codon 1272 of the MAGI2 protein (p.Pro1272Gln). This variant is not present in population databases (gnomAD no frequency). This variant has not been reported in the literature in individuals affected with MAGI2-related conditions. An algorithm developed to predict the effect of missense changes on protein structure and function (PolyPhen-2) suggests that this variant is likely to be tolerated. In summary, the available evidence is currently insufficient to determine the role of this variant in disease. Therefore, it has been classified as a Variant of Uncertain Significance.

NM_012301.4(MAGI2):c.3815C>A (p.Pro1272Gln)

Gene: MAGI2 (membrane associated guanylate kinase, WW and PDZ domain containing 2; minus strand). Cytogenetic location: 7q21.11.
Variant type: single nucleotide variant.
Coding change: c.3815C>A on transcript NM_012301.4 (MANE Select); coding-DNA position 3815, C replaced by A.
Protein change: p.Pro1272Gln; replaces proline 1272 with glutamine.
Molecular consequence: missense variant.
Genome position (GRCh38, 1-based): chr7:78,019,868, G>T on the plus strand (C>A on the coding strand, the complement: MAGI2 is on the minus strand). VCF-style: chr7-78019868-G-T. GRCh37 (hg19) VCF-style: chr7-77649185-G-T.
Other names: c.3773C>A, p.Pro1258Gln (NM_001301128.2); short protein forms P1258Q, P1272Q.
Identifiers: ClinVar variation 4695439 (VCV004695439.1).